The following is an entry in ClinVar:

ClinVar aggregate classification (germline): Uncertain significance (1 of 4 stars; one submission).

Conditions:
Xanthinuria type II. Also called: Xanthine dehydrogenase and aldehyde oxidase combined deficiency of; XDH and AOX dual deficiency. Identifiers: Orphanet 3467, Orphanet 93602, MedGen C1863688, MONDO:0011346, OMIM 603592.

Allele frequency attached by ClinVar (database versions not stated): gnomAD exomes 0.00002 and 0.00004; TOPMed 0.00002; ExAC 0.00006.
gnomAD v4.1: 9 of 1,613,494 alleles (0.00056%); highest among the groups gnomAD compares: Admixed American, 0.015%; no homozygotes.

Submission:

Labcorp Genetics (formerly Invitae), Labcorp
Classification: Uncertain significance for Xanthinuria type II. Last evaluated: 2022-08-10. Review status: criteria provided, single submitter. Criteria: Invitae Variant Classification Sherloc (09022015). Collection method: clinical testing. Allele origin: germline.
Comment: This sequence change falls in intron 10 of the XDH gene. It does not directly change the encoded amino acid sequence of the XDH protein. It affects a nucleotide within the consensus splice site. This variant is present in population databases (rs757314976, gnomAD 0.03%). This variant has not been reported in the literature in individuals affected with XDH-related conditions. ClinVar contains an entry for this variant (Variation ID: 1422909). Variants that disrupt the consensus splice site are a relatively common cause of aberrant splicing (PMID: 17576681, 9536098). Algorithms developed to predict the effect of sequence changes on RNA splicing suggest that this variant may create or strengthen a splice site. In summary, the available evidence is currently insufficient to determine the role of this variant in disease. Therefore, it has been classified as a Variant of Uncertain Significance.

Literature cited by the submitters: PubMed 17576681; PubMed 9536098.

NM_000379.4(XDH):c.886+5G>A

Gene: XDH (xanthine dehydrogenase; minus strand). Cytogenetic location: 2p23.1.
Variant type: single nucleotide variant.
Coding change: c.886+5G>A on transcript NM_000379.4 (MANE Select); 5 bases into the intron after coding-DNA position 886, G replaced by A.
Molecular consequence: intron variant.
Genome position (GRCh38, 1-based): chr2:31,383,750, C>T on the plus strand (G>A on the coding strand, the complement: XDH is on the minus strand). VCF-style: chr2-31383750-C-T. GRCh37 (hg19) VCF-style: chr2-31606616-C-T.
Identifiers: ClinVar variation 1422909 (VCV001422909.6), dbSNP rs757314976, ClinGen allele CA1599447.
Genomic context (GRCh38, chr2:31,383,750, plus strand): 5'-CCCACCTTGTAACCTATCCCCAGCCTCACAGCCCCTCCATAAGCTTGGAGTGAACCTCCT[C>T]TTACCGTCGGGTCCATGTTCTACCGAATTCAGCTCAGGGATCCAGGCTGGGCAGACAATC-3'